The following is an entry in ClinVar:

NM_000051.4(ATM):c.1608-3T>C

Gene: ATM (ATM serine/threonine kinase; plus strand). Cytogenetic location: 11q22.3.
Variant type: single nucleotide variant.
Coding change: c.1608-3T>C on transcript NM_000051.4 (MANE Select); 3 bases into the intron before coding-DNA position 1608, T replaced by C.
Molecular consequence: intron variant.
Genome position (GRCh38, 1-based): chr11:108,251,834, T>C. VCF-style: chr11-108251834-T-C. GRCh37 (hg19) VCF-style: chr11-108122561-T-C.
Other names: c.1608-3T>C (NM_001351834.2).
Identifiers: ClinVar variation 230251 (VCV000230251.19), dbSNP rs774196176, ClinGen allele CA6264852.

ClinVar aggregate classification (germline): Conflicting classifications of pathogenicity. Review status: criteria provided, conflicting classifications (1 of 4 stars). 7 submissions from 7 submitters: Uncertain significance (2); Likely benign (5). Last evaluated 2025-05-20.

Conditions:
Hereditary cancer-predisposing syndrome. Also called: Hereditary Cancer Syndrome; Neoplastic Syndromes, Hereditary; Tumor predisposition; Hereditary neoplastic syndrome. Identifiers: Orphanet 140162, MedGen C0027672, MeSH D009386, MONDO:0015356.
Familial cancer of breast. Also called: Hereditary breast cancer; hereditary breast carcinoma; BREAST CANCER, FAMILIAL. Identifiers: Orphanet 227535, MedGen C0346153, MONDO:0016419, OMIM 114480. Disease mechanism: loss of function.
Ataxia-telangiectasia syndrome (AT). Also called: Ataxia telangiectasia (A-T); Ataxia-telangiectasia, complementation group E; LOUIS-BAR SYNDROME; Cerebello-oculocutaneous telangiectasia; Immunodeficiency with ataxia telangiectasia; Ataxia-telangiectasia, complementation group D. Identifiers: Orphanet 100, MedGen C0004135, MONDO:0008840, OMIM 208900.

Allele frequency attached by ClinVar (database versions not stated): gnomAD exomes below 0.00001; ExAC 0.00001; TOPMed 0.00002; gnomAD 0.00003.

Submissions (7):

Quest Diagnostics Nichols Institute San Juan Capistrano
Classification: Uncertain significance. Last evaluated: 2025-05-20. Review status: criteria provided, single submitter. Criteria: Quest Diagnostics criteria. Collection method: clinical testing. Allele origin: unknown.

Labcorp Genetics (formerly Invitae), Labcorp
Classification: Likely benign for Ataxia-telangiectasia syndrome. Last evaluated: 2025-02-17. Review status: criteria provided, single submitter. Criteria: Invitae Variant Classification Sherloc (09022015). Collection method: clinical testing. Allele origin: germline.

Myriad Genetics, Inc.
Classification: Likely benign for Familial cancer of breast. Last evaluated: 2024-04-30. Review status: criteria provided, single submitter. Criteria: Myriad Autosomal Dominant, Autosomal Recessive and X-Linked Classification Criteria (2023). Collection method: clinical testing. Allele origin: unknown.
Comment: This variant is considered likely benign. This variant is intronic and is not expected to impact mRNA splicing.

Women's Health and Genetics/Laboratory Corporation of America, LabCorp
Classification: Uncertain significance. Last evaluated: 2021-12-16. Review status: criteria provided, single submitter. Criteria: LabCorp Variant Classification Summary - May 2015. Collection method: clinical testing. Allele origin: germline.

GeneDx
Classification: Likely benign. Last evaluated: 2020-09-10. Review status: criteria provided, single submitter. Criteria: GeneDx Variant Classification Process June 2021. Collection method: clinical testing. Allele origin: germline. Affected: yes.

Ambry Genetics
Classification: Likely benign for Hereditary cancer-predisposing syndrome. Last evaluated: 2019-10-31. Review status: criteria provided, single submitter. Criteria: Ambry Variant Classification Scheme 2023. Collection method: clinical testing. Allele origin: germline.

Color Diagnostics, LLC DBA Color Health
Classification: Likely benign for Hereditary cancer-predisposing syndrome. Last evaluated: 2015-07-16. Review status: criteria provided, single submitter. Criteria: ACMG Guidelines, 2015. Collection method: clinical testing. Allele origin: germline.